The following is an entry in ClinVar:

NM_001042492.3(NF1):c.4948C>T (p.Pro1650Ser)

Gene: NF1 (neurofibromin 1; plus strand). Cytogenetic location: 17q11.2.
Variant type: single nucleotide variant.
Coding change: c.4948C>T on transcript NM_001042492.3 (MANE Select); coding-DNA position 4948, C replaced by T.
Protein change: p.Pro1650Ser; replaces proline 1650 with serine.
Molecular consequence: missense variant.
Genome position (GRCh38, 1-based): chr17:31,325,932, C>T. VCF-style: chr17-31325932-C-T. GRCh37 (hg19) VCF-style: chr17-29652950-C-T.
Other names: c.4885C>T, p.Pro1629Ser (NM_000267.4); short protein forms P1629S, P1650S.
Identifiers: ClinVar variation 481908 (VCV000481908.4), dbSNP rs1402198290, ClinGen allele CA399007170.

ClinVar aggregate classification (germline): Uncertain significance. Review status: criteria provided, single submitter (1 of 4 stars). 2 submissions from 1 submitter: Uncertain significance (2). Last evaluated 2020-11-09.

Conditions:
Hereditary cancer-predisposing syndrome. Also called: Neoplastic Syndromes, Hereditary; Tumor predisposition; Hereditary Cancer Syndrome; Hereditary neoplastic syndrome. Identifiers: Orphanet 140162, MedGen C0027672, MeSH D009386, MONDO:0015356.
Cardiovascular phenotype. Identifiers: MedGen CN230736.

Allele frequency attached by ClinVar (database versions not stated): gnomAD exomes below 0.00001 and 0.00001.
gnomAD v4.1: 2 of 1,614,186 alleles (0.00012%); highest among the groups gnomAD compares: South Asian, 0.0011%; no homozygotes.

Submissions (2):

Ambry Genetics
Classification: Uncertain significance for Cardiovascular phenotype; Hereditary cancer-predisposing syndrome. Last evaluated: 2020-11-09. Review status: criteria provided, single submitter. Criteria: Ambry Variant Classification Scheme 2023. Collection method: clinical testing. Allele origin: germline.

Ambry Genetics
Classification: Uncertain significance for Hereditary cancer-predisposing syndrome. Last evaluated: 2016-03-16. Review status: criteria provided, single submitter. Criteria: Ambry Autosomal Dominant and X-Linked criteria (10/2015). Collection method: clinical testing. Allele origin: germline. Observed: 1 variant allele.
Comment: The p.P1650S variant (also known as c.4948C>T), located in coding exon 37 of the NF1 gene, results from a C to T substitution at nucleotide position 4948. The proline at codon 1650 is replaced by serine, an amino acid with similar properties. This variant was not reported in population based cohorts in the following databases: Database of Single Nucleotide Polymorphisms (dbSNP), NHLBI Exome Sequencing Project (ESP), and 1000 Genomes Project. In the ESP, this variant was not observed in 6503 samples (13006 alleles) with coverage at this position. To date, this alteration has been detected with an allele frequency of approximately 0.001% (greater than 110000 alleles tested) in our clinical cohort.This amino acid position is highly conserved in available vertebrate species. In addition, this alteration is predicted to be benign and tolerated by PolyPhen and SIFT in silico<span style="background-color:rgb(255, 255, 255); color:rgb(51, 51, 51); font-family:sans-serif,arial,verdana,trebuchet ms; font-size:13px">analyses, respectively.Since supporting evidence is limited at this time, the clinical significance of this alteration remains unclear.